The following is an entry in ClinVar:

ClinVar aggregate classification (germline): Uncertain significance (1 of 4 stars; one submission).

Conditions:
Hereditary sensory and autonomic neuropathy type 6. Also called: HSAN VI; Neuropathy, hereditary sensory and autonomic, type VI. Identifiers: Orphanet 314381, MedGen C3539003, MONDO:0013839, OMIM 614653.
Epidermolysis bullosa simplex 3, localized or generalized intermediate, with BP230 deficiency (EBS3). Also called: Epidermolysis bullosa simplex, autosomal recessive 2; Epidermolysis bullosa simplex due to BP230 deficiency. Identifiers: Orphanet 412181, MedGen C3809470, MONDO:0014180, OMIM 615425.

Allele frequency attached by ClinVar (database versions not stated): ExAC 0.00002; TOPMed 0.00002; gnomAD exomes 0.00003.
gnomAD v4.1: 23 of 1,613,668 alleles (0.0014%); highest among the groups gnomAD compares: Non-Finnish European, 0.00017%; no homozygotes.

Submission:

Labcorp Genetics (formerly Invitae), Labcorp
Classification: Uncertain significance for Epidermolysis bullosa simplex 3, localized or generalized intermediate, with BP230 deficiency; Hereditary sensory and autonomic neuropathy type 6. Last evaluated: 2019-03-13. Review status: criteria provided, single submitter. Criteria: Invitae Variant Classification Sherloc (09022015). Collection method: clinical testing. Allele origin: germline.
Comment: In summary, this variant has uncertain impact on DST function. The available evidence is currently insufficient to determine its role in disease. Therefore, it has been classified as a Variant of Uncertain Significance. Algorithms developed to predict the effect of missense changes on protein structure and function (SIFT, PolyPhen-2, Align-GVGD) all suggest that this variant is likely to be disruptive, but these predictions have not been confirmed by published functional studies and their clinical significance is uncertain. This variant has not been reported in the literature in individuals with a DST-related disease. This variant is present in population databases (rs760961361, ExAC 0.003%). This sequence change replaces aspartic acid with valine at codon 487 of the DST protein (p.Asp487Val). The aspartic acid residue is highly conserved and there is a large physicochemical difference between aspartic acid and valine.

NM_001374736.1(DST):c.3071A>T (p.Asp1024Val)

Gene: DST (dystonin; minus strand). Cytogenetic location: 6p12.1.
Variant type: single nucleotide variant.
Coding change: c.3071A>T on transcript NM_001374736.1 (MANE Select); coding-DNA position 3071, A replaced by T.
Protein change: p.Asp1024Val; replaces aspartic acid 1024 with valine.
Molecular consequence: missense variant.
Genome position (GRCh38, 1-based): chr6:56,635,704, T>A on the plus strand (A>T on the coding strand, the complement: DST is on the minus strand). VCF-style: chr6-56635704-T-A. GRCh37 (hg19) VCF-style: chr6-56500502-T-A.
Other names: c.2972A>T, p.Asp991Val (NM_001144769.5); c.2558A>T, p.Asp853Val (NM_001144770.2); c.3071A>T, p.Asp1024Val (NM_001374722.1); c.2438A>T, p.Asp813Val (NM_001374729.1, NM_001374730.1, NM_001386100.1 and 1 more transcripts); c.3098A>T, p.Asp1033Val (NM_001374734.1); c.1460A>T, p.Asp487Val (NM_001723.7, NM_015548.5); short protein forms D487V, D991V, D813V, D853V, D1024V, D1033V.
Identifiers: ClinVar variation 474509 (VCV000474509.9), dbSNP rs760961361, ClinGen allele CA3871235.